The following is an entry in ClinVar:

NM_015178.3(RHOBTB2):c.1778A>G (p.Tyr593Cys)

Gene: RHOBTB2 (Rho related BTB domain containing 2; plus strand). Cytogenetic location: 8p21.3.
Variant type: single nucleotide variant.
Coding change: c.1778A>G on transcript NM_015178.3 (MANE Select); coding-DNA position 1778, A replaced by G.
Protein change: p.Tyr593Cys; replaces tyrosine 593 with cysteine.
Molecular consequence: missense variant.
Genome position (GRCh38, 1-based): chr8:23,014,696, A>G. VCF-style: chr8-23014696-A-G. GRCh37 (hg19) VCF-style: chr8-22872209-A-G.
Other names: c.1844A>G, p.Tyr615Cys (NM_001160036.2); c.1799A>G, p.Tyr600Cys (NM_001160037.2); c.1778A>G, p.Tyr593Cys (NM_001374791.1); short protein forms Y615C, Y593C, Y600C.
Identifiers: ClinVar variation 2135591 (VCV002135591.4), dbSNP rs1328391600, ClinGen allele CA370574053.

ClinVar aggregate classification (germline): Uncertain significance (1 of 4 stars; one submission).

Allele frequency attached by ClinVar (database versions not stated): gnomAD exomes below 0.00001; TOPMed below 0.00001.
gnomAD v4.1: 2 of 1,614,036 alleles (0.00012%); highest among the groups gnomAD compares: Non-Finnish European, 0.00017%; no homozygotes.

Submission:

Labcorp Genetics (formerly Invitae), Labcorp
Classification: Uncertain significance. Last evaluated: 2022-12-04. Review status: criteria provided, single submitter. Criteria: Invitae Variant Classification Sherloc (09022015). Collection method: clinical testing. Allele origin: germline.
Comment: In summary, the available evidence is currently insufficient to determine the role of this variant in disease. Therefore, it has been classified as a Variant of Uncertain Significance. Advanced modeling of protein sequence and biophysical properties (such as structural, functional, and spatial information, amino acid conservation, physicochemical variation, residue mobility, and thermodynamic stability) performed at Invitae indicates that this missense variant is not expected to disrupt RHOBTB2 protein function. This variant has not been reported in the literature in individuals affected with RHOBTB2-related conditions. This variant is present in population databases (no rsID available, gnomAD 0.0009%). This sequence change replaces tyrosine, which is neutral and polar, with cysteine, which is neutral and slightly polar, at codon 615 of the RHOBTB2 protein (p.Tyr615Cys).